The following is an entry in ClinVar:

NM_000038.6(APC):c.1700G>C (p.Gly567Ala)

Gene: APC (APC regulator of Wnt signaling pathway; plus strand). Cytogenetic location: 5q22.2.
Variant type: single nucleotide variant.
Coding change: c.1700G>C on transcript NM_000038.6 (MANE Select); coding-DNA position 1700, G replaced by C.
Protein change: p.Gly567Ala; replaces glycine 567 with alanine.
Molecular consequence: missense variant.
Genome position (GRCh38, 1-based): chr5:112,828,929, G>C. VCF-style: chr5-112828929-G-C. GRCh37 (hg19) VCF-style: chr5-112164626-G-C.
Other names: c.1700G>C (NM_000038.5); c.1700G>C, p.Gly567Ala (NM_001127510.3, NM_001354895.2); c.1646G>C, p.Gly549Ala (NM_001127511.3); c.1754G>C, p.Gly585Ala (NM_001354896.2); c.1730G>C, p.Gly577Ala (NM_001354897.2); c.1625G>C, p.Gly542Ala (NM_001354898.2); c.1616G>C, p.Gly539Ala (NM_001354899.2); c.1577G>C, p.Gly526Ala (NM_001354900.2); and 6 more; short protein forms G284A, G407A, G508A, G542A, G441A, G526A, G466A, G476A.
Identifiers: ClinVar variation 1045006 (VCV001045006.11), dbSNP rs1366698322, ClinGen allele CA16025023.
Genomic context (GRCh38, chr5:112,828,929, plus strand): 5'-TTTTGAGGAATTTGTCTTGGCGAGCAGATGTAAATAGTAAAAAGACGTTGCGAGAAGTTG[G>C]AAGTGTGAAAGCATTGATGGAATGTGCTTTAGAAGTTAAAAAGGTACCTTTGAAAACATT-3'
Protein context (NP_000029.2, residues 557-577): VNSKKTLREV[Gly567Ala]SVKALMECAL

ClinVar aggregate classification (germline): Uncertain significance. Review status: criteria provided, multiple submitters, no conflicts (2 of 4 stars). 2 submissions from 2 submitters: Uncertain significance (2). Last evaluated 2025-07-28.

Conditions:
Hereditary cancer-predisposing syndrome. Also called: Hereditary Cancer Syndrome; Tumor predisposition; Hereditary neoplastic syndrome; Neoplastic Syndromes, Hereditary. Identifiers: Orphanet 140162, MedGen C0027672, MeSH D009386, MONDO:0015356.
Familial adenomatous polyposis 1 (FAP1). Also called: POLYPOSIS, ADENOMATOUS INTESTINAL; FAMILIAL ADENOMATOUS POLYPOSIS 1, ATTENUATED. Identifiers: MedGen C2713442, MONDO:0021056, OMIM 175100. Disease mechanism: loss of function.

Allele frequency attached by ClinVar (database versions not stated): gnomAD exomes below 0.00001.
gnomAD v4.1: 2 of 1,613,928 alleles (0.00012%); highest among the groups gnomAD compares: Non-Finnish European, 0.00017%; no homozygotes.

Submissions (2):

Ambry Genetics
Classification: Uncertain significance for Hereditary cancer-predisposing syndrome. Last evaluated: 2025-07-28. Review status: criteria provided, single submitter. Criteria: Ambry Variant Classification Scheme 2023. Collection method: clinical testing. Allele origin: germline.
Comment: The p.G567A variant (also known as c.1700G>C), located in coding exon 13 of the APC gene, results from a G to C substitution at nucleotide position 1700. The glycine at codon 567 is replaced by alanine, an amino acid with similar properties. This amino acid position is conserved. In addition, in silico predictors for this gene do not accurately predict pathogenicity. Based on the available evidence, the clinical significance of this variant remains unclear.

Labcorp Genetics (formerly Invitae), Labcorp
Classification: Uncertain significance for Familial adenomatous polyposis 1. Last evaluated: 2024-11-25. Review status: criteria provided, single submitter. Criteria: Invitae Variant Classification Sherloc (09022015). Collection method: clinical testing. Allele origin: germline.
Comment: This sequence change replaces glycine, which is neutral and non-polar, with alanine, which is neutral and non-polar, at codon 567 of the APC protein (p.Gly567Ala). This variant is not present in population databases (gnomAD no frequency). This variant has not been reported in the literature in individuals affected with APC-related conditions. ClinVar contains an entry for this variant (Variation ID: 1045006). Invitae Evidence Modeling of protein sequence and biophysical properties (such as structural, functional, and spatial information, amino acid conservation, physicochemical variation, residue mobility, and thermodynamic stability) indicates that this missense variant is not expected to disrupt APC protein function with a negative predictive value of 95%. In summary, the available evidence is currently insufficient to determine the role of this variant in disease. Therefore, it has been classified as a Variant of Uncertain Significance.